The following is an entry in ClinVar:

ClinVar aggregate classification (germline): Uncertain significance (1 of 4 stars; one submission).

Allele frequency attached by ClinVar (database versions not stated): TOPMed below 0.00001 and 0.00001.

Submission:

GeneDx
Classification: Uncertain significance. Last evaluated: 2017-06-27. Review status: criteria provided, single submitter. Criteria: GeneDx Variant Classification (06012015). Collection method: clinical testing. Allele origin: germline. Affected: yes.
Comment: The R433X variant in the NID1 gene has not been reported previously as a pathogenic variant nor as a benign variant, to our knowledge. This variant is predicted to cause loss of normal protein function either through protein truncation or nonsense-mediated mRNA decay. The R433X variant is not observed in large population cohorts (Lek et al., 2016; 1000 Genomes Consortium et al., 2015; Exome Variant Server). We interpret R433X as a variant of uncertain significance.

NM_002508.3(NID1):c.1297C>T (p.Arg433Ter)

Gene: NID1 (nidogen 1; minus strand). Cytogenetic location: 1q42.3.
Variant type: single nucleotide variant.
Coding change: c.1297C>T on transcript NM_002508.3 (MANE Select); coding-DNA position 1297, C replaced by T.
Protein change: p.Arg433Ter; replaces arginine 433 with a stop codon.
Molecular consequence: nonsense.
Genome position (GRCh38, 1-based): chr1:236,032,641, G>A on the plus strand (C>T on the coding strand, the complement: NID1 is on the minus strand). VCF-style: chr1-236032641-G-A. GRCh37 (hg19) VCF-style: chr1-236195941-G-A.
Other names: short protein forms R433*.
Identifiers: ClinVar variation 450071 (VCV000450071.2), dbSNP rs4995533, ClinGen allele CA344970396.